The following is an entry in ClinVar:

NM_006852.6(TLK2):c.2082G>A (p.Ala694=)

Gene: TLK2 (tousled like kinase 2; plus strand). Cytogenetic location: 17q23.2.
Variant type: single nucleotide variant.
Coding change: c.2082G>A on transcript NM_006852.6 (MANE Select); coding-DNA position 2082, G replaced by A.
Protein change: p.Ala694=; no amino-acid change (alanine 694 retained).
Molecular consequence: synonymous variant.
Genome position (GRCh38, 1-based): chr17:62,612,394, G>A. VCF-style: chr17-62612394-G-A. GRCh37 (hg19) VCF-style: chr17-60689755-G-A.
Other names: c.2148G>A, p.Ala716= (NM_001284333.3); c.1986G>A, p.Ala662= (NM_001284363.1, NM_001375272.1); c.1635G>A, p.Ala545= (NM_001330418.3, NM_001375273.1); c.2124G>A, p.Ala708= (NM_001375269.1); c.2082G>A, p.Ala694= (NM_001375270.1, NM_001375271.1); c.1797G>A, p.Ala599= (NM_001411074.1).
Identifiers: ClinVar variation 3257051 (VCV003257051.17).

ClinVar aggregate classification (germline): Likely benign (1 of 4 stars; one submission).

gnomAD v4.1: 502 of 1,613,214 alleles (0.031%); highest among the groups gnomAD compares: African/African-American, 0.48%; 3 homozygotes.

Submission:

CeGaT Center for Human Genetics Tuebingen
Classification: Likely benign. Last evaluated: 2025-10-01. Review status: criteria provided, single submitter. Criteria: CeGaT Center For Human Genetics Tuebingen Variant Classification Criteria Version 2. Collection method: clinical testing. Allele origin: germline. Affected: yes. Observed: 2 variant alleles.
Comment: TLK2: BP4, BP7